The following is an entry in ClinVar:

NR_136158.2(NDUFA10):n.4373A>G

Gene: NDUFA10 (NADH:ubiquinone oxidoreductase subunit A10; minus strand). Cytogenetic location: 2q37.3.
Variant type: single nucleotide variant.
Molecular consequence: non-coding transcript variant (on NR_136158.2).
Genome position: GRCh38 VCF-style: chr2-239895291-T-C. GRCh37 (hg19) VCF-style: chr2-240834708-T-C.
Identifiers: ClinVar variation 2652082 (VCV002652082.24), dbSNP rs369835639, ClinGen allele CA2200603.

ClinVar aggregate classification (germline): Benign (1 of 4 stars; one submission).

Allele frequency attached by ClinVar (database versions not stated): TOPMed 0.00007; gnomAD 0.00038; 1000 Genomes Project 0.00200; gnomAD exomes 0.00203; 1000 Genomes Project 30x 0.00265; ExAC 0.00532.
gnomAD v4.1: 678 of 468,808 alleles (0.14%); highest among the groups gnomAD compares: South Asian, 1%; 9 homozygotes.

Submission:

CeGaT Center for Human Genetics Tuebingen
Classification: Benign. Last evaluated: 2022-10-01. Review status: criteria provided, single submitter. Criteria: CeGaT Center For Human Genetics Tuebingen Variant Classification Criteria Version 2. Collection method: clinical testing. Allele origin: germline. Affected: yes. Observed: 1 variant allele.
Comment: NDUFA10: BS1, BS2